The following is an entry in ClinVar:

ClinVar aggregate classification (germline): Conflicting classifications of pathogenicity. Review status: criteria provided, conflicting classifications (1 of 4 stars). 24 submissions from 20 submitters: Uncertain significance (3); Benign (8); Likely benign (12). 1 of the submissions does not count toward it. Last evaluated 2026-09-01.

Conditions:
Hereditary cancer-predisposing syndrome. Also called: Hereditary neoplastic syndrome; Tumor predisposition; Neoplastic Syndromes, Hereditary; Hereditary Cancer Syndrome. Identifiers: Orphanet 140162, MedGen C0027672, MeSH D009386, MONDO:0015356.
Cardiovascular phenotype. Identifiers: MedGen CN230736.
Neurofibromatosis, type 1 (NF1). Also called: Peripheral type neurofibromatosis; Neurofibromatosis, type I; NEUROFIBROMATOSIS, TYPE I, SOMATIC; VON RECKLINGHAUSEN DISEASE. Identifiers: Orphanet 636, MedGen C0027831, MONDO:0018975, OMIM 162200. Disease mechanism: loss of function.
Neurofibromatosis-Noonan syndrome (NFNS). Also called: NEUROFIBROMATOSIS WITH NOONAN PHENOTYPE. Identifiers: Orphanet 638, MedGen C2931482, MONDO:0011035, OMIM 601321. Disease mechanism: loss of function.
Café-au-lait macules with pulmonary stenosis (WTSN). Also called: PULMONIC STENOSIS WITH CAFE-AU-LAIT SPOTS. Identifiers: MedGen C0553586, MONDO:0008672, OMIM 193520.
Juvenile myelomonocytic leukemia (JMML). Also called: LEUKEMIA, JUVENILE MYELOMONOCYTIC, SOMATIC. Identifiers: Orphanet 86834, MedGen C0349639, MONDO:0011908, OMIM 607785, HP:0012209.
Neurofibromatosis, familial spinal (FSNF). Identifiers: Orphanet 636, MedGen C1834235, MONDO:0008078, OMIM 162210. Disease mechanism: loss of function.

Allele frequency attached by ClinVar (database versions not stated): 1000 Genomes Project 30x 0.00016; 1000 Genomes Project 0.00020; gnomAD 0.00088 and 0.00089; TOPMed 0.00095; gnomAD exomes 0.00121 and 0.00135; ESP Exome Variant Server 0.00131; ExAC 0.00148.
gnomAD v4.1: 2,111 of 1,614,010 alleles (0.13%); highest among the groups gnomAD compares: Non-Finnish European, 0.16%; 3 homozygotes.

Submissions (24):

CeGaT Center for Human Genetics Tuebingen
Classification: Likely benign. Last evaluated: 2026-09-01. Review status: criteria provided, single submitter. Criteria: CeGaT Center For Human Genetics Tuebingen Variant Classification Criteria Version 2. Collection method: clinical testing. Allele origin: germline. Affected: yes. Observed: 30 variant alleles.
Comment: NF1: BP4, BP7, BS1

Myriad Genetics, Inc.
Classification: Benign for Neurofibromatosis, type 1. Last evaluated: 2026-05-19. Review status: criteria provided, single submitter. Criteria: Myriad Autosomal Dominant, Autosomal Recessive and X-Linked Classification Criteria (2023). Collection method: clinical testing. Allele origin: unknown.
Comment: This variant is considered benign. This variant is a silent/synonymous amino acid change and it is not expected to impact splicing.

Labcorp Genetics (formerly Invitae), Labcorp
Classification: Benign for Neurofibromatosis, type 1. Last evaluated: 2026-02-03. Review status: criteria provided, single submitter. Criteria: Invitae Variant Classification Sherloc (09022015). Collection method: clinical testing. Allele origin: germline.

Quest Diagnostics Nichols Institute San Juan Capistrano
Classification: Benign. Last evaluated: 2025-10-31. Review status: criteria provided, single submitter. Criteria: Quest Diagnostics criteria. Collection method: clinical testing. Allele origin: unknown.

Mayo Clinic Laboratories, Mayo Clinic
Classification: Likely benign. Last evaluated: 2025-05-06. Review status: criteria provided, single submitter. Criteria: ACMG Guidelines, 2015. Collection method: clinical testing. Allele origin: germline. Observed: 3 variant alleles.
Comment: BS1, BP4, BP7

Blueprint Genetics
Classification: Likely benign. Last evaluated: 2024-11-27. Review status: criteria provided, single submitter. Criteria: ACMG Guidelines, 2015. Collection method: clinical testing. Allele origin: germline.

ARUP Laboratories, Molecular Genetics and Genomics, ARUP Laboratories
Classification: Benign. Last evaluated: 2023-10-16. Review status: criteria provided, single submitter. Criteria: ARUP Molecular Germline Variant Investigation Process 2024. Collection method: clinical testing. Allele origin: germline.

Ambry Genetics
Classification: Likely benign for Cardiovascular phenotype; Hereditary cancer-predisposing syndrome. Last evaluated: 2023-06-01. Review status: criteria provided, single submitter. Criteria: Ambry Variant Classification Scheme 2023. Collection method: clinical testing. Allele origin: germline.

Institute for Biomarker Research, Medical Diagnostic Laboratories, L.L.C.
Classification: Benign for Hereditary cancer-predisposing syndrome. Last evaluated: 2022-09-27. Review status: criteria provided, single submitter. Criteria: ACMG Guidelines, 2015. Collection method: clinical testing. Allele origin: germline.

Department of Pathology and Laboratory Medicine, Sinai Health System
Classification: Likely benign for Neurofibromatosis, type 1; Neurofibromatosis, familial spinal; Café-au-lait macules with pulmonary stenosis; Neurofibromatosis-Noonan syndrome; Juvenile myelomonocytic leukemia. Last evaluated: 2022-08-30. Review status: criteria provided, single submitter. Criteria: ACMG Guidelines, 2015. Collection method: clinical testing. Allele origin: germline. Affected: yes.

GeneDx
Classification: Likely benign. Last evaluated: 2021-04-26. Review status: criteria provided, single submitter. Criteria: GeneDx Variant Classification Process June 2021. Collection method: clinical testing. Allele origin: germline. Affected: yes.
Comment: This variant is associated with the following publications: (PMID: 18041031, 16944272, 16199547, 15060124)

Genetic Services Laboratory, University of Chicago
Classification: Likely benign. Last evaluated: 2021-02-05. Review status: criteria provided, single submitter. Criteria: ACMG Guidelines, 2015. Collection method: clinical testing. Allele origin: germline. Affected: no.

Sema4
Classification: Benign for Hereditary cancer-predisposing syndrome. Last evaluated: 2020-10-07. Review status: criteria provided, single submitter. Criteria: Sema4 Curation Guidelines. Collection method: curation. Allele origin: germline.

Women's Health and Genetics/Laboratory Corporation of America, LabCorp
Classification: Benign. Last evaluated: 2017-08-21. Review status: criteria provided, single submitter. Criteria: LabCorp Variant Classification Summary - May 2015. Collection method: clinical testing. Allele origin: germline.
Comment: Variant summary: The NF1 c.3867C>T (p.Phe1289Phe) variant involves the alteration of a non-conserved nucleotide, resulting in a synonymous change located in the Rho GTPase activation protein domain (InterPro). One in silico tool predicts a damaging outcome for this variant. 5/5 splice prediction tools predict no significant impact on normal splicing. ESE finder predicts that this variant may affect the binding sites for splicing enhancers. However, these predictions have yet to be confirmed by functional studies. This variant was found in the large control database ExAC in 179/121342 control chromosomes (3 homozygotes) at a frequency of 0.0014752, which is approximately 7 times the estimated maximal expected allele frequency of a pathogenic NF1 variant (0.0002084), suggesting this variant is likely a benign polymorphism. This variant was found in Neurofibromatosis type 1 patients, including in one patient co-occurring with NF-1 c.1885G>A, p.G629R (not in our internal database, DM in HGMD) and was classified as a polymorphism (Mattocks_2004, Brinckmann_2007, Griffiths_2006). In addition, multiple clinical diagnostic laboratories/reputable databases classified this variant as likely benign/benign. Taken together, this variant is classified as benign.

Illumina Laboratory Services, Illumina
Classification: Likely benign for Neurofibromatosis, type 1. Last evaluated: 2017-04-27. Review status: criteria provided, single submitter. Criteria: ICSL Variant Classification Criteria 13 December 2019. Collection method: clinical testing. Allele origin: germline.
Comment: This variant was observed as part of a predisposition screen in an ostensibly healthy population. A literature search was performed for the gene, cDNA change, and amino acid change (where applicable). No publications were found based on this search. Allele frequency data from public databases allowed determination this variant is unlikely to cause disease. Therefore, this variant is classified as likely benign.

Illumina Laboratory Services, Illumina
Classification: Uncertain significance for Café-au-lait macules with pulmonary stenosis. Last evaluated: 2017-04-27. Review status: criteria provided, single submitter. Criteria: ICSL Variant Classification Criteria 13 December 2019. Collection method: clinical testing. Allele origin: germline.

Illumina Laboratory Services, Illumina
Classification: Uncertain significance for Neurofibromatosis, familial spinal. Last evaluated: 2017-04-27. Review status: criteria provided, single submitter. Criteria: ICSL Variant Classification Criteria 13 December 2019. Collection method: clinical testing. Allele origin: germline.

Illumina Laboratory Services, Illumina
Classification: Uncertain significance for Neurofibromatosis-Noonan syndrome. Last evaluated: 2017-04-27. Review status: criteria provided, single submitter. Criteria: ICSL Variant Classification Criteria 13 December 2019. Collection method: clinical testing. Allele origin: germline.

Laboratory for Molecular Medicine, Mass General Brigham Personalized Medicine
Classification: Likely benign. Last evaluated: 2017-03-07. Review status: criteria provided, single submitter. Criteria: LMM Criteria. Collection method: clinical testing. Allele origin: germline. Observed: 1 variant allele.
Comment: p.Phe1289Phe in exon 28 of NF1: This variant is not expected to have clinical si gnificance because it does not alter an amino acid residue and is not located wi thin the splice consensus sequence. It has been identified in 0.2% (156/66710) o f European chromosomes by the Exome Aggregation Consortium (ExAC; dbSNP rs138186428).

Center for Pediatric Genomic Medicine, Children's Mercy Hospital and Clinics
Classification: Likely benign. Last evaluated: 2017-03-02. Review status: criteria provided, single submitter. Criteria: ACMG Guidelines, 2015. Collection method: clinical testing. Allele origin: germline.

Center for Human Genetics, Inc
Classification: Likely benign for Neurofibromatosis, type 1. Last evaluated: 2016-11-01. Review status: criteria provided, single submitter. Criteria: ACMG Guidelines, 2015. Collection method: clinical testing. Allele origin: germline. Affected: yes.

Ambry Genetics
Classification: Likely benign for Hereditary cancer-predisposing syndrome. Last evaluated: 2014-07-24. Review status: criteria provided, single submitter. Criteria: Ambry Autosomal Dominant and X-Linked criteria (10/2015). Collection method: clinical testing. Allele origin: germline. Observed: 1 variant allele.

PreventionGenetics, part of Exact Sciences
Classification: Benign. Review status: criteria provided, single submitter. Criteria: ACMG Guidelines, 2015. Collection method: clinical testing. Allele origin: germline.

Clinical Molecular Genetics Laboratory, Johns Hopkins All Children's Hospital
Classification: Uncertain significance for Neurofibromatosis, type 1. Last evaluated: 2016-06-03. Review status: no assertion criteria provided. Collection method: clinical testing. Allele origin: germline. Affected: yes. Not counted in ClinVar's aggregate classification.

Literature cited by the submitters: PubMed 16944272 (cited by Department of Pathology and Laboratory Medicine, Sinai Health System and Women's Health and Genetics/Laboratory Corporation of America, LabCorp); PubMed 31874108 (cited by Department of Pathology and Laboratory Medicine, Sinai Health System); PubMed 16199547 (cited by Women's Health and Genetics/Laboratory Corporation of America, LabCorp); PubMed 18041031 (cited by Women's Health and Genetics/Laboratory Corporation of America, LabCorp and Laboratory for Molecular Medicine, Mass General Brigham Personalized Medicine); PubMed 15060124 (cited by Women's Health and Genetics/Laboratory Corporation of America, LabCorp).

NM_001042492.3(NF1):c.3867C>T (p.Phe1289=)

Gene: NF1 (neurofibromin 1; plus strand). Cytogenetic location: 17q11.2.
Variant type: single nucleotide variant.
Coding change: c.3867C>T on transcript NM_001042492.3 (MANE Select); coding-DNA position 3867, C replaced by T.
Protein change: p.Phe1289=; no amino-acid change (phenylalanine 1289 retained).
Molecular consequence: synonymous variant.
Genome position (GRCh38, 1-based): chr17:31,235,769, C>T. VCF-style: chr17-31235769-C-T. GRCh37 (hg19) VCF-style: chr17-29562787-C-T.
Other names: p.Phe1289=; c.3867C>T, p.Phe1289= (NM_000267.4).
Identifiers: ClinVar variation 184320 (VCV000184320.67), dbSNP rs138186428, ClinGen allele CA188590.